The following is an entry in ClinVar:

NM_000380.4(XPA):c.306_309del (p.Asp101_Tyr102insTer)

Gene: XPA (XPA, DNA damage recognition and repair factor; minus strand). Cytogenetic location: 9q22.33.
Variant type: Deletion.
Coding change: c.306_309del on transcript NM_000380.4 (MANE Select); coding-DNA positions 306 to 309, 4 bases deleted (TGTA; older notation c.306_309delTGTA).
Protein change: p.Asp101_Tyr102insTer.
Molecular consequence: nonsense. On other transcripts: non-coding transcript variant (2).
Genome position (GRCh38, 1-based): chr9:97,689,614-97,689,617, TACA deleted on the plus strand (TGTA on the coding strand, the reverse complement: XPA is on the minus strand); deleting any 4 consecutive bases within chr9:97,689,614-97,689,619 gives the same sequence; the c. name uses the placement nearest the transcript's 3' end. VCF-style (leftmost placement, unchanged base first): chr9-97689613-TTACA-T. GRCh37 (hg19) VCF-style: chr9-100451895-TTACA-T.
Other names: c.180_183del, p.Asp59_Tyr60insTer (NM_001354975.2).
Identifiers: ClinVar variation 852034 (VCV000852034.7), dbSNP rs773683921, ClinGen allele CA5148846.

ClinVar aggregate classification (germline): Pathogenic (1 of 4 stars; one submission).

Submission:

Labcorp Genetics (formerly Invitae), Labcorp
Classification: Pathogenic. Last evaluated: 2019-12-19. Review status: criteria provided, single submitter. Criteria: Invitae Variant Classification Sherloc (09022015). Collection method: clinical testing. Allele origin: germline.
Comment: For these reasons, this variant has been classified as Pathogenic. Loss-of-function variants in XPA are known to be pathogenic (PMID: 27607234). This variant has not been reported in the literature in individuals with XPA-related conditions. This variant is present in population databases (rs773683921, ExAC 0.007%). This sequence change creates a premature translational stop signal (p.Tyr102*) in the XPA gene. It is expected to result in an absent or disrupted protein product.

Literature cited by the submitters: PubMed 27607234.